The following is an entry in ClinVar:

NC_012920.1(MT-ATP6):m.9122T>G

Gene: MT-ATP6 (mitochondrially encoded ATP synthase 6; plus strand).
Variant type: single nucleotide variant.
Genome position: chrM-9122-T-G.
Identifiers: ClinVar variation 693099 (VCV000693099.1), dbSNP rs1603222104, ClinGen allele CA414802254.
Genomic context (GRCh38, chrMT:9,122, plus strand): 5'-TAGCAATATCAACCATTAACCTTCCCTCTACACTTATCATCTTCACAATTCTAATTCTAC[T>G]GACTATCCTAGAAATCGCTGTCGCCTTAATCCAAGCCTACGTTTTCACACTTCTAGTAAG-3'

ClinVar aggregate classification (germline): Uncertain significance (1 of 4 stars; one submission).

Conditions:
Leigh syndrome (NULS). Also called: Leigh's necrotizing encephalopathy; Leigh's disease; Leigh Syndrome (mtDNA deletion); Leigh Disease; Subacute necrotizing encephalopathy; Necrotizing encephalopathy infantile subacute of Leigh. Identifiers: Orphanet 506, MedGen C2931891, MONDO:0009723, OMIM 256000.

Submission:

Wong Mito Lab, Molecular and Human Genetics, Baylor College of Medicine
Classification: Uncertain significance for Leigh syndrome. Last evaluated: 2019-10-17. Review status: criteria provided, single submitter. Criteria: Modified ACMG Guidelines (Unpublished). Collection method: clinical testing. Allele origin: germline.
Comment: The NC_012920.1:m.9122T>G (YP_003024031.1:p.Leu199Arg) variant in MTATP6 gene is interpretated to be a Uncertain Significance variant based on the modified ACMG guidelines (unpublished). This variant meets the following evidence codes: PP3, PP7